The following is an entry in ClinVar:

ClinVar aggregate classification (germline): Likely benign. Review status: criteria provided, multiple submitters, no conflicts (2 of 4 stars). 2 submissions from 2 submitters: Likely benign (2). Last evaluated 2025-12-02.

Conditions:
Nemaline myopathy 8 (NEM8). Also called: Nemaline myopathy 8, autosomal recessive. Identifiers: Orphanet 171430, MedGen C3809209, MONDO:0014138, OMIM 615348.

Allele frequency attached by ClinVar (database versions not stated): TOPMed 0.00006; gnomAD exomes 0.00014; ExAC 0.00016; gnomAD 0.00002.

Submissions (2):

Labcorp Genetics (formerly Invitae), Labcorp
Classification: Likely benign for Nemaline myopathy 8. Last evaluated: 2025-12-02. Review status: criteria provided, single submitter. Criteria: Invitae Variant Classification Sherloc (09022015). Collection method: clinical testing. Allele origin: germline.

GeneDx
Classification: Likely benign. Last evaluated: 2017-11-01. Review status: criteria provided, single submitter. Criteria: GeneDx Variant Classification (06012015). Collection method: clinical testing. Allele origin: germline. Affected: yes.
Comment: This variant is considered likely benign or benign based on one or more of the following criteria: it is a conservative change, it occurs at a poorly conserved position in the protein, it is predicted to be benign by multiple in silico algorithms, and/or has population frequency not consistent with disease.

NM_152393.4(KLHL40):c.1789C>T (p.Leu597=)

Gene: KLHL40 (kelch like family member 40; plus strand). Cytogenetic location: 3p22.1.
Variant type: single nucleotide variant.
Coding change: c.1789C>T on transcript NM_152393.4 (MANE Select); coding-DNA position 1789, C replaced by T.
Protein change: p.Leu597=; no amino-acid change (leucine 597 retained).
Molecular consequence: synonymous variant.
Genome position (GRCh38, 1-based): chr3:42,691,916, C>T. VCF-style: chr3-42691916-C-T. GRCh37 (hg19) VCF-style: chr3-42733408-C-T.
Identifiers: ClinVar variation 513050 (VCV000513050.8), dbSNP rs759554210, ClinGen allele CA2337094.